The following is an entry in ClinVar:

NM_003476.5(CSRP3):c.298C>A (p.Arg100Ser)

Gene: CSRP3 (cysteine and glycine rich protein 3; minus strand). Cytogenetic location: 11p15.1.
Variant type: single nucleotide variant.
Coding change: c.298C>A on transcript NM_003476.5 (MANE Select); coding-DNA position 298, C replaced by A.
Protein change: p.Arg100Ser; replaces arginine 100 with serine.
Molecular consequence: missense variant.
Genome position (GRCh38, 1-based): chr11:19,186,332, G>T on the plus strand (C>A on the coding strand, the complement: CSRP3 is on the minus strand). VCF-style: chr11-19186332-G-T. GRCh37 (hg19) VCF-style: chr11-19207879-G-T.
Other names: c.298C>A, p.Arg100Ser (NM_001127656.1); c.129C>A, p.His43Gln (NM_001369404.1); short protein forms R100S, H43Q.
Identifiers: ClinVar variation 2939215 (VCV002939215.3), dbSNP rs201214593, ClinGen allele CA379888067.

ClinVar aggregate classification (germline): Uncertain significance (1 of 4 stars; one submission).

Conditions:
Hypertrophic cardiomyopathy 12. Identifiers: MedGen C2677491, MONDO:0012804, OMIM 612124.
Dilated cardiomyopathy 1M (CMD1M). Identifiers: Orphanet 154, MedGen C1843808, MONDO:0011840, OMIM 607482.

gnomAD v4.1: 1 of 1,614,204 alleles (0.000062%); highest among the groups gnomAD compares: Non-Finnish European, 0.000085%; no homozygotes.

Submission:

Labcorp Genetics (formerly Invitae), Labcorp
Classification: Uncertain significance for Hypertrophic cardiomyopathy 12; Dilated cardiomyopathy 1M. Last evaluated: 2023-08-27. Review status: criteria provided, single submitter. Criteria: Invitae Variant Classification Sherloc (09022015). Collection method: clinical testing. Allele origin: germline.
Comment: This sequence change replaces arginine, which is basic and polar, with serine, which is neutral and polar, at codon 100 of the CSRP3 protein (p.Arg100Ser). This variant is not present in population databases (gnomAD no frequency). This variant has not been reported in the literature in individuals affected with CSRP3-related conditions. An algorithm developed to predict the effect of missense changes on protein structure and function (PolyPhen-2) suggests that this variant is likely to be tolerated. In summary, the available evidence is currently insufficient to determine the role of this variant in disease. Therefore, it has been classified as a Variant of Uncertain Significance.